The following is an entry in ClinVar:

NM_001365951.3(KIF1B):c.2368C>G (p.Gln790Glu)

Gene: KIF1B (kinesin family member 1B; plus strand). Cytogenetic location: 1p36.22.
Variant type: single nucleotide variant.
Coding change: c.2368C>G on transcript NM_001365951.3 (MANE Select); coding-DNA position 2368, C replaced by G.
Protein change: p.Gln790Glu; replaces glutamine 790 with glutamic acid.
Molecular consequence: missense variant.
Genome position (GRCh38, 1-based): chr1:10,323,893, C>G. VCF-style: chr1-10323893-C-G. GRCh37 (hg19) VCF-style: chr1-10383951-C-G.
Other names: c.2368C>G, p.Gln790Glu (NM_001365952.1); c.2230C>G, p.Gln744Glu (NM_015074.3); short protein forms Q790E, Q744E.
Identifiers: ClinVar variation 1923538 (VCV001923538.5), dbSNP rs2521622043, ClinGen allele CA338334224.
Genomic context (GRCh38, chr1:10,323,893, plus strand): 5'-GAAGCTTGCTTGCTGAAAACCATTTGTCAATGGTTTATTCTTTCTATTCAGGTGCAGTTT[C>G]AGTTTGTTCTGCTGACTGACACACTGTACTCCCCTTTGCCTCCTGAATTACTTCCCACTG-3'
Protein context (NP_001352880.1, residues 780-800): SVELKKKVQF[Gln790Glu]FVLLTDTLYS

ClinVar aggregate classification (germline): Uncertain significance (1 of 4 stars; one submission).

Conditions:
Charcot-Marie-Tooth disease type 2. Also called: Charcot-Marie-Tooth type 2. Identifiers: Orphanet 64746, MedGen C0270914, MONDO:0018993.

Allele frequency attached by ClinVar (database versions not stated): gnomAD exomes below 0.00001.
gnomAD v4.1: 1 of 1,613,894 alleles (0.000062%); highest among the groups gnomAD compares: Non-Finnish European, 0.000085%; no homozygotes.

Submission:

Labcorp Genetics (formerly Invitae), Labcorp
Classification: Uncertain significance for Charcot-Marie-Tooth disease type 2. Last evaluated: 2022-10-16. Review status: criteria provided, single submitter. Criteria: Invitae Variant Classification Sherloc (09022015). Collection method: clinical testing. Allele origin: germline.
Comment: Advanced modeling of protein sequence and biophysical properties (such as structural, functional, and spatial information, amino acid conservation, physicochemical variation, residue mobility, and thermodynamic stability) performed at Invitae indicates that this missense variant is not expected to disrupt KIF1B protein function. In summary, the available evidence is currently insufficient to determine the role of this variant in disease. Therefore, it has been classified as a Variant of Uncertain Significance. This variant has not been reported in the literature in individuals affected with KIF1B-related conditions. This variant is not present in population databases (gnomAD no frequency). This sequence change replaces glutamine, which is neutral and polar, with glutamic acid, which is acidic and polar, at codon 744 of the KIF1B protein (p.Gln744Glu).